The following is an entry in ClinVar:

NM_007294.4(BRCA1):c.4978G>C (p.Glu1660Gln)

Gene: BRCA1 (BRCA1 DNA repair associated; minus strand). Cytogenetic location: 17q21.31.
Variant type: single nucleotide variant.
Coding change: c.4978G>C on transcript NM_007294.4 (MANE Select); coding-DNA position 4978, G replaced by C.
Protein change: p.Glu1660Gln; replaces glutamic acid 1660 with glutamine.
Molecular consequence: missense variant. On other transcripts: non-coding transcript variant (1).
Genome position (GRCh38, 1-based): chr17:43,070,936, C>G on the plus strand (G>C on the coding strand, the complement: BRCA1 is on the minus strand). VCF-style: chr17-43070936-C-G. GRCh37 (hg19) VCF-style: chr17-41222953-C-G.
Other names: c.4597G>C, p.Glu1533Gln (NM_001407959.1); c.4594G>C, p.Glu1532Gln (NM_001407960.1, NM_001407962.1); c.4591G>C, p.Glu1531Gln (NM_001407963.1); c.4516G>C, p.Glu1506Gln (NM_001407964.1); c.1669G>C, p.Glu557Gln (NM_001407975.1, NM_001407976.1, NM_001407977.1 and 3 more transcripts); c.1666G>C, p.Glu556Gln (NM_001407979.1, NM_001407980.1, NM_001407981.1 and 13 more transcripts); c.1663G>C, p.Glu555Gln (NM_001408398.1, NM_001408399.1, NM_001408400.1 and 8 more transcripts); c.1660G>C, p.Glu554Gln (NM_001408406.1, NM_001408407.1, NM_001408408.1); and 70 more; short protein forms E1660Q, E1681Q, E1613Q, E556Q, E1363Q, E1548Q, E1588Q, E1590Q.
Identifiers: ClinVar variation 868468 (VCV000868468.3), dbSNP rs2052356742, ClinGen allele CA10591571.

Conditions:
Breast-ovarian cancer, familial, susceptibility to, 1 (BROVCA1). Also called: BRCA1 Hereditary Breast and Ovarian Cancer; OVARIAN CANCER, SUSCEPTIBILITY TO. Identifiers: Orphanet 145, MedGen C2676676, MONDO:0011450, OMIM 604370. Disease mechanism: loss of function.

Submission:

Brotman Baty Institute, University of Washington
No classification provided (evidence only). Condition: Breast-ovarian cancer, familial 1. Review status: no classification provided. Collection method: in vitro. Allele origin: not applicable. Functional consequence: functionally_normal.
ClinVar note: "not provided" was previously submitted as the classification for the variant. However, the classification appeared to be based only on an observation of functional data so it was converted to no classification on 2025-07-30.